The following is an entry in ClinVar:

NM_000540.3(RYR1):c.1396A>C (p.Lys466Gln)

Gene: RYR1 (ryanodine receptor 1; plus strand). Cytogenetic location: 19q13.2.
Variant type: single nucleotide variant.
Coding change: c.1396A>C on transcript NM_000540.3 (MANE Select); coding-DNA position 1396, A replaced by C.
Protein change: p.Lys466Gln; replaces lysine 466 with glutamine.
Molecular consequence: missense variant.
Genome position (GRCh38, 1-based): chr19:38,452,970, A>C. VCF-style: chr19-38452970-A-C. GRCh37 (hg19) VCF-style: chr19-38943610-A-C.
Other names: p.Lys466Gln; c.1396A>C, p.Lys466Gln (NM_001042723.2); short protein forms K466Q.
Identifiers: ClinVar variation 3380611 (VCV003380611.3).

ClinVar aggregate classification (germline): Uncertain significance. Review status: criteria provided, multiple submitters, no conflicts (2 of 4 stars). 3 submissions from 3 submitters: Uncertain significance (3). Last evaluated 2024-08-13.

Conditions:
Malignant hyperthermia, susceptibility to, 1 (MHS1). Also called: Anesthesia related hyperthermia; Malignant hyperpyrexia; Fulminating hyperpyrexia; Pharmacogenic myopathy; Malignant hyperthermia suceptibility 1; RYR1-Related Malignant Hyperthermia Susceptibility. Identifiers: Orphanet 423, MedGen C2930980, MONDO:0007783, OMIM 145600.

gnomAD v4.1: 1 of 1,613,952 alleles (0.000062%); highest among the groups gnomAD compares: Middle Eastern, 0.016%; no homozygotes.

Submissions (3):

All of Us Research Program, National Institutes of Health
Classification: Uncertain significance for Malignant hyperthermia, susceptibility to, 1. Last evaluated: 2024-08-13. Review status: criteria provided, single submitter. Criteria: ACMG Guidelines, 2015. Collection method: clinical testing. Allele origin: germline. Inheritance: Autosomal dominant inheritance. Observed: 1 variant allele, 1 heterozygote.
Comment: This missense variant replaces lysine with glutamine at codon 466 of the RYR1 protein. Computational prediction suggests that this variant may not impact protein structure and function (internally defined REVEL score threshold <= 0.5, PMID: 27666373). To our knowledge, functional studies have not been reported for this variant. This variant has not been reported in individuals affected with RYR1-related disorders in the literature. This variant has been identified in 1/249322 chromosomes in the general population by the Genome Aggregation Database (gnomAD). The available evidence is insufficient to determine the role of this variant in disease conclusively. Therefore, this variant is classified as a Variant of Uncertain Significance.

This study involves interpretation of variants in research participants for the purpose of population health screening. Participant phenotype was not available at the time of variant classification. Additional details can be found in publication PMID: 35346344, PMCID: PMC8962531

Color Diagnostics, LLC DBA Color Health
Classification: Uncertain significance for Malignant hyperthermia, susceptibility to, 1. Last evaluated: 2024-06-18. Review status: criteria provided, single submitter. Criteria: ACMG Guidelines, 2015. Collection method: clinical testing. Allele origin: germline.
Comment: This missense variant replaces lysine with glutamine at codon 466 of the RYR1 protein. Computational prediction suggests that this variant may not impact protein structure and function (internally defined REVEL score threshold <= 0.5, PMID: 27666373). To our knowledge, functional studies have not been reported for this variant. This variant has not been reported in individuals affected with RYR1-related disorders in the literature. This variant has been identified in 1/249322 chromosomes in the general population by the Genome Aggregation Database (gnomAD). The available evidence is insufficient to determine the role of this variant in disease conclusively. Therefore, this variant is classified as a Variant of Uncertain Significance.

Mayo Clinic Laboratories, Mayo Clinic
Classification: Uncertain significance. Last evaluated: 2023-09-15. Review status: criteria provided, single submitter. Criteria: ACMG Guidelines, 2015. Collection method: clinical testing. Allele origin: germline. Observed: 1 variant allele.